The following is an entry in ClinVar:

ClinVar aggregate classification (germline): Benign. Review status: criteria provided, multiple submitters, no conflicts (2 of 4 stars). 2 submissions from 2 submitters: Benign (2). Last evaluated 2019-10-16.

Allele frequency attached by ClinVar (database versions not stated): gnomAD exomes 0.00245 and 0.00353; ExAC 0.01386; ESP Exome Variant Server 0.02257; gnomAD 0.02732 and 0.02936; TOPMed 0.03097; 1000 Genomes Project 0.03415; 1000 Genomes Project 30x 0.03701.
gnomAD v4.1: 7,659 of 1,499,942 alleles (0.51%); highest among the groups gnomAD compares: African/African-American, 9.9%; 352 homozygotes.

Submissions (2):

GeneDx
Classification: Benign. Last evaluated: 2019-10-16. Review status: criteria provided, single submitter. Criteria: GeneDx Variant Classification Process June 2021. Collection method: clinical testing. Allele origin: germline. Affected: yes.
Comment: This variant is associated with the following publications: (PMID: 30255815)

Breakthrough Genomics
Classification: Benign. Review status: criteria provided, single submitter. Criteria: ACMG Guidelines, 2015. Collection method: not provided. Allele origin: germline. Inheritance: Unknown mechanism. Affected: yes.

NM_001077594.2(EXOC3L4):c.889G>A (p.Val297Met)

Gene: EXOC3L4 (exocyst complex component 3 like 4; plus strand). Cytogenetic location: 14q32.32.
Variant type: single nucleotide variant.
Coding change: c.889G>A on transcript NM_001077594.2 (MANE Select); coding-DNA position 889, G replaced by A.
Protein change: p.Val297Met; replaces valine 297 with methionine.
Molecular consequence: missense variant.
Genome position (GRCh38, 1-based): chr14:103,102,612, G>A. VCF-style: chr14-103102612-G-A. GRCh37 (hg19) VCF-style: chr14-103568949-G-A.
Other names: c.889G>A, p.Val297Met (NM_001394941.1, NM_001394942.1); short protein forms V297M.
Identifiers: ClinVar variation 1266695 (VCV001266695.3), dbSNP rs9324055, ClinGen allele CA7361992.
Genomic context (GRCh38, chr14:103,102,612, plus strand): 5'-CAGCTTCTGGCCGAGCTGGGTGGCTTGGTTCGCCGCGACCTGCAGAAGGTGCGGCAGGAG[G>A]TGCAGCCCGCGTATGCGGCGGCCGGCTTCCCAGCGTGGGAGGTCTATCTGCGTGCCTTCC-3'
Protein context (NP_001071062.1, residues 287-307): RRDLQKVRQE[Val297Met]QPAYAAAGFP